The following is an entry in ClinVar:

ClinVar aggregate classification (germline): Uncertain significance (1 of 4 stars; one submission).

Conditions:
Primary ciliary dyskinesia. Also called: Ciliary dyskinesia. Identifiers: Orphanet 244, MedGen C0008780, MONDO:0016575, HP:0012265.

Submission:

Labcorp Genetics (formerly Invitae), Labcorp
Classification: Uncertain significance for Primary ciliary dyskinesia. Last evaluated: 2022-07-26. Review status: criteria provided, single submitter. Criteria: Invitae Variant Classification Sherloc (09022015). Collection method: clinical testing. Allele origin: germline.
Comment: This sequence change replaces isoleucine, which is neutral and non-polar, with valine, which is neutral and non-polar, at codon 877 of the DNAH11 protein (p.Ile877Val). This variant is not present in population databases (gnomAD no frequency). This variant has not been reported in the literature in individuals affected with DNAH11-related conditions. ClinVar contains an entry for this variant (Variation ID: 1522510). Advanced modeling of protein sequence and biophysical properties (such as structural, functional, and spatial information, amino acid conservation, physicochemical variation, residue mobility, and thermodynamic stability) performed at Invitae indicates that this missense variant is not expected to disrupt DNAH11 protein function. In summary, the available evidence is currently insufficient to determine the role of this variant in disease. Therefore, it has been classified as a Variant of Uncertain Significance.

NM_001277115.2(DNAH11):c.2629A>G (p.Ile877Val)

Gene: DNAH11 (dynein axonemal heavy chain 11; plus strand). Cytogenetic location: 7p15.3.
Variant type: single nucleotide variant.
Coding change: c.2629A>G on transcript NM_001277115.2 (MANE Select); coding-DNA position 2629, A replaced by G.
Protein change: p.Ile877Val; replaces isoleucine 877 with valine.
Molecular consequence: missense variant.
Genome position (GRCh38, 1-based): chr7:21,591,539, A>G. VCF-style: chr7-21591539-A-G. GRCh37 (hg19) VCF-style: chr7-21631157-A-G.
Other names: short protein forms I877V.
Identifiers: ClinVar variation 1522510 (VCV001522510.8), dbSNP rs2128443771, ClinGen allele CA366943114.